The following is an entry in ClinVar:

NM_000179.3(MSH6):c.2880C>A (p.Asn960Lys)

Gene: MSH6 (mutS homolog 6; plus strand). Cytogenetic location: 2p16.3.
Variant type: single nucleotide variant.
Coding change: c.2880C>A on transcript NM_000179.3 (MANE Select); coding-DNA position 2880, C replaced by A.
Protein change: p.Asn960Lys; replaces asparagine 960 with lysine.
Molecular consequence: missense variant.
Genome position (GRCh38, 1-based): chr2:47,800,863, C>A. VCF-style: chr2-47800863-C-A. GRCh37 (hg19) VCF-style: chr2-48028002-C-A.
Other names: c.2490C>A, p.Asn830Lys (NM_001281492.2); c.1974C>A, p.Asn658Lys (NM_001281493.2, NM_001281494.2, NM_001406811.1 and 6 more transcripts); c.2976C>A, p.Asn992Lys (NM_001406795.1, NM_001406802.1); c.2880C>A, p.Asn960Lys (NM_001406796.1, NM_001406798.1, NM_001406800.1 and 2 more transcripts); c.2583C>A, p.Asn861Lys (NM_001406797.1, NM_001406801.1, NM_001406805.1 and 10 more transcripts); c.2355C>A, p.Asn785Lys (NM_001406799.1, NM_001406806.1, NM_001406807.1); c.2802C>A, p.Asn934Lys (NM_001406804.1); c.2886C>A, p.Asn962Lys (NM_001406813.1); and 2 more; short protein forms N275K, N904K, N962K, N992K, N658K, N960K, N861K, N934K.
Identifiers: ClinVar variation 1797171 (VCV001797171.2), dbSNP rs1057520440, ClinGen allele CA346756025.

ClinVar aggregate classification (germline): Uncertain significance (1 of 4 stars; one submission).

Conditions:
Hereditary cancer-predisposing syndrome. Also called: Tumor predisposition; Hereditary Cancer Syndrome; Neoplastic Syndromes, Hereditary; Hereditary neoplastic syndrome. Identifiers: Orphanet 140162, MedGen C0027672, MeSH D009386, MONDO:0015356.

gnomAD v4.1: 1 of 1,613,844 alleles (0.000062%); highest among the groups gnomAD compares: Non-Finnish European, 0.000085%; no homozygotes.

Submission:

Ambry Genetics
Classification: Uncertain significance for Hereditary cancer-predisposing syndrome. Last evaluated: 2021-02-02. Review status: criteria provided, single submitter. Criteria: Ambry Variant Classification Scheme 2023. Collection method: clinical testing. Allele origin: germline.
Comment: The p.N960K variant (also known as c.2880C>A), located in coding exon 4 of the MSH6 gene, results from a C to A substitution at nucleotide position 2880. The asparagine at codon 960 is replaced by lysine, an amino acid with similar properties. This amino acid position is poorly conserved in available vertebrate species, and lysine is the reference amino acid in other vertebrate species. In addition, this alteration is predicted to be tolerated by in silico analysis. Since supporting evidence is limited at this time, the clinical significance of this alteration remains unclear.